The following is an entry in ClinVar:

NM_145239.3(PRRT2):c.916G>T (p.Ala306Ser)

Genes: MVP-DT (MVP divergent transcript; minus strand), PRRT2 (proline rich transmembrane protein 2; plus strand). Cytogenetic location: 16p11.2.
Variant type: single nucleotide variant.
Coding change: c.916G>T on transcript NM_145239.3 (MANE Select); coding-DNA position 916, G replaced by T.
Protein change: p.Ala306Ser; replaces alanine 306 with serine.
Molecular consequence: missense variant. On other transcripts: 3 prime UTR variant (1).
Genome position (GRCh38, 1-based): chr16:29,814,369, G>T. VCF-style: chr16-29814369-G-T. GRCh37 (hg19) VCF-style: chr16-29825690-G-T.
Other names: c.916G>T, p.Ala306Ser (NM_001256442.2); c.*415G>T (NM_001256443.2); short protein forms A306S.
Identifiers: ClinVar variation 452494 (VCV000452494.13), dbSNP rs727504111, ClinGen allele CA395480579.

ClinVar aggregate classification (germline): Conflicting classifications of pathogenicity. Review status: criteria provided, conflicting classifications (1 of 4 stars). 2 submissions from 2 submitters: Likely pathogenic (1); Uncertain significance (1). Last evaluated 2025-09-28.

Conditions:
Episodic kinesigenic dyskinesia (EKD). Also called: Paroxysmal kinesigenic dyskinesia. Identifiers: Orphanet 98809, MedGen C1868682, MONDO:0044202.

Allele frequency attached by ClinVar (database versions not stated): gnomAD exomes below 0.00001.
gnomAD v4.1: 2 of 1,609,334 alleles (0.00012%); highest among the groups gnomAD compares: Non-Finnish European, 0.000085%; no homozygotes.

Submissions (2):

GeneDx
Classification: Uncertain significance. Last evaluated: 2025-09-28. Review status: criteria provided, single submitter. Criteria: GeneDx Variant Classification Process June 2021. Collection method: clinical testing. Allele origin: germline. Affected: yes.
Comment: Not observed at significant frequency in large population cohorts (gnomAD); In silico analysis suggests that this missense variant does not alter protein structure/function; Has not been previously published as pathogenic or benign to our knowledge

Labcorp Genetics (formerly Invitae), Labcorp
Classification: Likely pathogenic for Episodic kinesigenic dyskinesia. Last evaluated: 2023-03-23. Review status: criteria provided, single submitter. Criteria: Invitae Variant Classification Sherloc (09022015). Collection method: clinical testing. Allele origin: germline.
Comment: This variant disrupts the p.Ala306 amino acid residue in PRRT2. Other variant(s) that disrupt this residue have been determined to be pathogenic (PMID: 23063574, 30392205, 31124310). This suggests that this residue is clinically significant, and that variants that disrupt this residue are likely to be disease-causing. In summary, the currently available evidence indicates that the variant is pathogenic, but additional data are needed to prove that conclusively. Therefore, this variant has been classified as Likely Pathogenic. Advanced modeling of protein sequence and biophysical properties (such as structural, functional, and spatial information, amino acid conservation, physicochemical variation, residue mobility, and thermodynamic stability) performed at Invitae indicates that this missense variant is expected to disrupt PRRT2 protein function. This sequence change replaces alanine, which is neutral and non-polar, with serine, which is neutral and polar, at codon 306 of the PRRT2 protein (p.Ala306Ser). This variant is not present in population databases (gnomAD no frequency). This variant has not been reported in the literature in individuals affected with PRRT2-related conditions. ClinVar contains an entry for this variant (Variation ID: 452494).

Literature cited by the submitters: PubMed 23063574 (cited by Labcorp Genetics (formerly Invitae), Labcorp); PubMed 30392205 (cited by Labcorp Genetics (formerly Invitae), Labcorp); PubMed 31124310 (cited by Labcorp Genetics (formerly Invitae), Labcorp).